The following is an entry in ClinVar:

NM_001048174.2(MUTYH):c.396G>C (p.Gln132His)

Gene: MUTYH (mutY DNA glycosylase; minus strand). Cytogenetic location: 1p34.1.
Variant type: single nucleotide variant.
Coding change: c.396G>C on transcript NM_001048174.2 (MANE Select); coding-DNA position 396, G replaced by C.
Protein change: p.Gln132His; replaces glutamine 132 with histidine.
Molecular consequence: missense variant. On other transcripts: intron variant (4), non-coding transcript variant (6).
Genome position (GRCh38, 1-based): chr1:45,332,942, C>G on the plus strand (G>C on the coding strand, the complement: MUTYH is on the minus strand). VCF-style: chr1-45332942-C-G. GRCh37 (hg19) VCF-style: chr1-45798614-C-G.
Other names: c.396G>C, p.Gln132His (NM_001048171.2, NM_001048173.2, NM_001407072.1 and 5 more transcripts); c.399G>C, p.Gln133His (NM_001048172.2, NM_001407071.1, NM_001407078.1 and 1 more transcripts); c.312G>C, p.Gln104His (NM_001407075.1); c.429G>C, p.Gln143His (NM_001407077.1, NM_001293191.2); c.51G>C, p.Gln17His (NM_001407082.1, NM_001350650.2, NM_001350651.2); c.438G>C, p.Gln146His (NM_001407083.1, NM_001407085.1); c.421-108G>C (NM_001407073.1); c.454-108G>C (NM_001407069.1); and 7 more; short protein forms Q132H, Q133H, Q157H, Q139H, Q146H, Q40H, Q104H, Q147H.
Identifiers: ClinVar variation 4113683 (VCV004113683.1).

ClinVar aggregate classification (germline): Uncertain significance (1 of 4 stars; one submission).

Conditions:
Hereditary cancer-predisposing syndrome. Also called: Hereditary neoplastic syndrome; Neoplastic Syndromes, Hereditary; Tumor predisposition; Hereditary Cancer Syndrome. Identifiers: Orphanet 140162, MedGen C0027672, MeSH D009386, MONDO:0015356.

Submission:

Ambry Genetics
Classification: Uncertain significance for Hereditary cancer-predisposing syndrome. Last evaluated: 2025-08-27. Review status: criteria provided, single submitter. Criteria: Ambry Variant Classification Scheme 2023. Collection method: clinical testing. Allele origin: germline.
Comment: The p.Q160H variant (also known as c.480G>C), located in coding exon 6 of the MUTYH gene, results from a G to C substitution at nucleotide position 480. The glutamine at codon 160 is replaced by histidine, an amino acid with highly similar properties. This amino acid position is conserved. In addition, the in silico prediction for this alteration is inconclusive. Based on the available evidence, the clinical significance of this variant remains unclear.